The following is an entry in ClinVar:

ClinVar aggregate classification (germline): Likely pathogenic (1 of 4 stars; one submission).

Conditions:
Hereditary cancer-predisposing syndrome. Also called: Hereditary Cancer Syndrome; Neoplastic Syndromes, Hereditary; Hereditary neoplastic syndrome; Tumor predisposition. Identifiers: Orphanet 140162, MedGen C0027672, MeSH D009386, MONDO:0015356.

Submission:

Ambry Genetics
Classification: Likely pathogenic for Hereditary cancer-predisposing syndrome. Last evaluated: 2013-10-21. Review status: criteria provided, single submitter. Criteria: Ambry Autosomal Dominant and X-Linked criteria (10/2015). Collection method: clinical testing. Allele origin: germline. Observed: 1 variant allele.
Comment: Ã¢â‚¬â€¹The c.734+2T>C (also known as IVS5+2T>C) intronic variant results from a T to C substitution two nucleotides after coding exon 5 of the STK11 gene. This variant was not reported in population-based cohorts in the following databases: Database of Single Nucleotide Polymorphisms (dbSNP), NHLBI Exome Sequencing Project (ESP) and 1000 Genomes Project. To date, this alteration has been detected with an allele frequency of approximately 0.01% (greater than 10300 alleles tested) in our clinical cohort (includes this individual). Based on nucleotide sequence alignment, this position is highly conserved in available vertebrate species. Using the BDGP and ESEfinder splice site prediction tools, this alteration is predicted to abolish or weaken the native splice donor site; however, direct evidence is unavailable. Alterations that disrupt the canonical splice donor site are typically deleterious in nature (ACMG Recommendations for Standards for Interpretation and Reporting of Sequence Variations. Revision 2007. Genet Med. 2008;10:294). As such, the c.734+2T>C variant is classified as likely pathogenic.

NM_000455.5(STK11):c.734+2T>C

Gene: STK11 (serine/threonine kinase 11; plus strand). Cytogenetic location: 19p13.3.
Variant type: single nucleotide variant.
Coding change: c.734+2T>C on transcript NM_000455.5 (MANE Select); the canonical splice donor site of the intron after coding-DNA position 734, T replaced by C.
Molecular consequence: splice donor variant.
Genome position (GRCh38, 1-based): chr19:1,220,719, T>C. VCF-style: chr19-1220719-T-C. GRCh37 (hg19) VCF-style: chr19-1220718-T-C.
Other names: c.734+2T>C (NM_001407255.1).
Identifiers: ClinVar variation 428777 (VCV000428777.3), dbSNP rs1131690941, ClinGen allele CA402950022.